The following is an entry in ClinVar:

NM_001447.3(FAT2):c.6040A>G (p.Met2014Val)

Genes: SLC36A1 (solute carrier family 36 member 1; plus strand), FAT2 (FAT atypical cadherin 2; minus strand). Cytogenetic location: 5q33.1.
Variant type: single nucleotide variant.
Coding change: c.6040A>G on transcript NM_001447.3 (MANE Select); coding-DNA position 6040, A replaced by G.
Protein change: p.Met2014Val; replaces methionine 2014 with valine.
Molecular consequence: missense variant.
Genome position (GRCh38, 1-based): chr5:151,545,087, T>C on the plus strand (A>G on the coding strand, the complement: FAT2 is on the minus strand). VCF-style: chr5-151545087-T-C. GRCh37 (hg19) VCF-style: chr5-150924648-T-C.
Other names: c.6040A>G (NM_001447.2); short protein forms M2014V.
Identifiers: ClinVar variation 2730810 (VCV002730810.4), dbSNP rs544760906, ClinGen allele CA129960277.

ClinVar aggregate classification (germline): Uncertain significance. Review status: criteria provided, multiple submitters, no conflicts (2 of 4 stars). 2 submissions from 2 submitters: Uncertain significance (2). Last evaluated 2024-08-20.

Allele frequency attached by ClinVar (database versions not stated): gnomAD 0.00001; gnomAD exomes 0.00001.
gnomAD v4.1: 16 of 1,614,134 alleles (0.00099%); highest among the groups gnomAD compares: Middle Eastern, 0.033%; no homozygotes.

Submissions (2):

Ambry Genetics
Classification: Uncertain significance. Last evaluated: 2024-08-20. Review status: criteria provided, single submitter. Criteria: Ambry Variant Classification Scheme 2023. Collection method: clinical testing. Allele origin: germline.

Labcorp Genetics (formerly Invitae), Labcorp
Classification: Uncertain significance. Last evaluated: 2023-04-30. Review status: criteria provided, single submitter. Criteria: Invitae Variant Classification Sherloc (09022015). Collection method: clinical testing. Allele origin: germline.
Comment: This variant has not been reported in the literature in individuals affected with FAT2-related conditions. This variant is not present in population databases (gnomAD no frequency). This sequence change replaces methionine, which is neutral and non-polar, with valine, which is neutral and non-polar, at codon 2014 of the FAT2 protein (p.Met2014Val). Algorithms developed to predict the effect of missense changes on protein structure and function output the following: SIFT: "Not Available"; PolyPhen-2: "Benign"; Align-GVGD: "Not Available". The valine amino acid residue is found in multiple mammalian species, which suggests that this missense change does not adversely affect protein function. In summary, the available evidence is currently insufficient to determine the role of this variant in disease. Therefore, it has been classified as a Variant of Uncertain Significance.